The following is an entry in ClinVar:

NM_001035.3(RYR2):c.12290A>G (p.Asn4097Ser)

Gene: RYR2 (ryanodine receptor 2; plus strand). Cytogenetic location: 1q43.
Variant type: single nucleotide variant.
Coding change: c.12290A>G on transcript NM_001035.3 (MANE Select); coding-DNA position 12290, A replaced by G.
Protein change: p.Asn4097Ser; replaces asparagine 4097 with serine.
Molecular consequence: missense variant.
Genome position (GRCh38, 1-based): chr1:237,784,002, A>G. VCF-style: chr1-237784002-A-G. GRCh37 (hg19) VCF-style: chr1-237947302-A-G.
Other names: c.12290A>G, p.Asn4097Ser (LRG_402t1); short protein forms N4097S.
Identifiers: ClinVar variation 201327 (VCV000201327.10), dbSNP rs794728784, ClinGen allele CA007436.
Genomic context (GRCh38, chr1:237,784,002, plus strand): 5'-CCCTCGACTACGAAGAGTTCGTCAAACGCTTCCACGAACCTGCGAAGGACATCGGCTTCA[A>G]CGTCGCCGTCCTTCTGACAAACCTCTCTGAGCACATGCCCAACGATACCCGACTTCAGAC-3'
Protein context (NP_001026.2, residues 4087-4107): FHEPAKDIGF[Asn4097Ser]VAVLLTNLSE

ClinVar aggregate classification (germline): Uncertain significance (1 of 4 stars; one submission).

Conditions:
Catecholaminergic polymorphic ventricular tachycardia 1. Also called: RYR2-Related Catecholaminergic Polymorphic Ventricular Tachycardia; VENTRICULAR TACHYCARDIA, CATECHOLAMINERGIC POLYMORPHIC, 1, WITH OR WITHOUT ATRIAL DYSFUNCTION AND/OR DILATED CARDIOMYOPATHY; VENTRICULAR TACHYCARDIA, STRESS-INDUCED POLYMORPHIC 1. Identifiers: Orphanet 3286, MedGen C1631597, MONDO:0011484, OMIM 604772.

Submission:

Labcorp Genetics (formerly Invitae), Labcorp
Classification: Uncertain significance for Catecholaminergic polymorphic ventricular tachycardia 1. Last evaluated: 2025-02-09. Review status: criteria provided, single submitter. Criteria: Invitae Variant Classification Sherloc (09022015). Collection method: clinical testing. Allele origin: germline.
Comment: This sequence change replaces asparagine, which is neutral and polar, with serine, which is neutral and polar, at codon 4097 of the RYR2 protein (p.Asn4097Ser). This variant is not present in population databases (gnomAD no frequency). This missense change has been observed in individual(s) with catecholaminergic polymorphic ventricular tachycardia (PMID: 31112425). ClinVar contains an entry for this variant (Variation ID: 201327). Invitae Evidence Modeling of protein sequence and biophysical properties (such as structural, functional, and spatial information, amino acid conservation, physicochemical variation, residue mobility, and thermodynamic stability) indicates that this missense variant is expected to disrupt RYR2 protein function with a positive predictive value of 95%. Experimental studies have shown that this missense change does not substantially affect RYR2 function (PMID: 33825858). In summary, the available evidence is currently insufficient to determine the role of this variant in disease. Therefore, it has been classified as a Variant of Uncertain Significance.

Literature cited by the submitters: PubMed 31112425; PubMed 33825858.